The following is an entry in ClinVar:

NM_002335.4(LRP5):c.2133C>T (p.His711=)

Gene: LRP5 (LDL receptor related protein 5; plus strand). Cytogenetic location: 11q13.2.
Variant type: single nucleotide variant.
Coding change: c.2133C>T on transcript NM_002335.4 (MANE Select); coding-DNA position 2133, C replaced by T.
Protein change: p.His711=; no amino-acid change (histidine 711 retained).
Molecular consequence: synonymous variant.
Genome position (GRCh38, 1-based): chr11:68,409,955, C>T. VCF-style: chr11-68409955-C-T. GRCh37 (hg19) VCF-style: chr11-68177423-C-T.
Other names: p.His711=; c.390C>T, p.His130= (NM_001291902.2).
Identifiers: ClinVar variation 790645 (VCV000790645.17), dbSNP rs33958013, ClinGen allele CA6149546.

ClinVar aggregate classification (germline): Benign/Likely benign. Review status: criteria provided, multiple submitters, no conflicts (2 of 4 stars). 6 submissions from 6 submitters: Benign (5); Likely benign (1). Last evaluated 2026-02-02.

Allele frequency attached by ClinVar (database versions not stated): gnomAD exomes 0.00112 and 0.00311; ExAC 0.00367; 1000 Genomes Project 0.01098; gnomAD 0.01128 and 0.01212; 1000 Genomes Project 30x 0.01249; TOPMed 0.01308; ESP Exome Variant Server 0.01347.
gnomAD v4.1: 3,389 of 1,613,958 alleles (0.21%); highest among the groups gnomAD compares: African/African-American, 4%; 79 homozygotes.

Submissions (6):

Labcorp Genetics (formerly Invitae), Labcorp
Classification: Benign. Last evaluated: 2026-02-02. Review status: criteria provided, single submitter. Criteria: Invitae Variant Classification Sherloc (09022015). Collection method: clinical testing. Allele origin: germline.

Mayo Clinic Laboratories, Mayo Clinic
Classification: Benign. Last evaluated: 2024-12-30. Review status: criteria provided, single submitter. Criteria: ACMG Guidelines, 2015. Collection method: clinical testing. Allele origin: germline. Observed: 3 variant alleles.
Comment: BS1, BS2, BP4, BP7

Blueprint Genetics
Classification: Likely benign. Last evaluated: 2024-11-25. Review status: criteria provided, single submitter. Criteria: ACMG Guidelines, 2015. Collection method: clinical testing. Allele origin: germline.

ARUP Laboratories, Molecular Genetics and Genomics, ARUP Laboratories
Classification: Benign. Last evaluated: 2024-08-05. Review status: criteria provided, single submitter. Criteria: ARUP Molecular Germline Variant Investigation Process 2024. Collection method: clinical testing. Allele origin: germline.

GeneDx
Classification: Benign. Last evaluated: 2015-03-03. Review status: criteria provided, single submitter. Criteria: GeneDx Variant Classification Process June 2021. Collection method: clinical testing. Allele origin: germline. Affected: yes.

Breakthrough Genomics
Classification: Benign. Review status: criteria provided, single submitter. Criteria: ACMG Guidelines, 2015. Collection method: not provided. Allele origin: germline. Inheritance: Autosomal recessive inheritance. Affected: yes.